The following is an entry in ClinVar:

ClinVar aggregate classification (germline): Uncertain significance (1 of 4 stars; one submission).

Submission:

Labcorp Genetics (formerly Invitae), Labcorp
Classification: Uncertain significance. Last evaluated: 2023-11-25. Review status: criteria provided, single submitter. Criteria: Invitae Variant Classification Sherloc (09022015). Collection method: clinical testing. Allele origin: germline.
Comment: This sequence change replaces aspartic acid, which is acidic and polar, with tyrosine, which is neutral and polar, at codon 2804 of the TRRAP protein (p.Asp2804Tyr). This variant is not present in population databases (gnomAD no frequency). This variant has not been reported in the literature in individuals affected with TRRAP-related conditions. Advanced modeling of protein sequence and biophysical properties (such as structural, functional, and spatial information, amino acid conservation, physicochemical variation, residue mobility, and thermodynamic stability) performed at Invitae indicates that this missense variant is expected to disrupt TRRAP protein function with a positive predictive value of 80%. In summary, the available evidence is currently insufficient to determine the role of this variant in disease. Therefore, it has been classified as a Variant of Uncertain Significance.

NM_001375524.1(TRRAP):c.8485G>T (p.Asp2829Tyr)

Gene: TRRAP (transformation/transcription domain associated protein; plus strand). Cytogenetic location: 7q22.1.
Variant type: single nucleotide variant.
Coding change: c.8485G>T on transcript NM_001375524.1 (MANE Select); coding-DNA position 8485, G replaced by T.
Protein change: p.Asp2829Tyr; replaces aspartic acid 2829 with tyrosine.
Molecular consequence: missense variant.
Genome position (GRCh38, 1-based): chr7:98,978,310, G>T. VCF-style: chr7-98978310-G-T. GRCh37 (hg19) VCF-style: chr7-98575933-G-T.
Other names: c.8464G>T, p.Asp2822Tyr (NM_001244580.2); c.8410G>T, p.Asp2804Tyr (NM_003496.4); short protein forms D2804Y, D2822Y, D2829Y.
Identifiers: ClinVar variation 2699072 (VCV002699072.3), dbSNP rs2484954569, ClinGen allele CA368306714.